The following is an entry in ClinVar:

NC_012920.1(MT-TS1):m.7471dup

Gene: MT-TS1 (mitochondrially encoded tRNA serine 1 (UCN); minus strand).
Variant type: Duplication.
Genome position: chrM-7465-A-AC.
Other names: m.7471_7472insC; C7471CC; 7472insC.
Identifiers: ClinVar variation 42226 (VCV000042226.19), dbSNP rs111033319, ClinGen allele CA214937.
Genomic context (GRCh38, chrMT:7,465, plus strand): 5'-CCTACCACACATTCGAAGAACCCGTATACATAAAATCTAGACAAAAAAGGAAGGAATCGA[A>AC]CCCCCCAAAGCTGGTTTCAAGCCAACCCCATGGCCTCCATGACTTTTTCAAAAAGGTATT-3'

ClinVar aggregate classification (germline): Pathogenic. Review status: reviewed by expert panel (3 of 4 stars). 15 submissions from 13 submitters: Pathogenic (1). 14 of the submissions do not count toward it. Last evaluated 2022-11-14.

Conditions:
Primary Mitochondrial Disorders. Identifiers: MedGen CN381104.
Mitochondrial hearing loss.
Rare genetic deafness. Identifiers: Orphanet 96210, MedGen C5680250.
Deafness, sensorineural, with neurologic features. Identifiers: MedGen C3151975.
Mitochondrial disease. Also called: Mitochondrial disorder; Mitochondrial disorders. Identifiers: Orphanet 68380, MedGen C0751651, MeSH D028361, MONDO:0044970.
MELAS syndrome (MELAS). Also called: Juvenile myopathy, encephalopathy, lactic acidosis, stroke. Identifiers: Orphanet 550, MedGen C0162671, MONDO:0010789, OMIM 540000.
MERRF syndrome (MERRF). Also called: Myoclonus with epilepsy with ragged red fibers; Myoencephalopathy ragged-red fiber disease; MYOCLONIC EPILEPSY ASSOCIATED WITH RAGGED-RED FIBERS. Identifiers: Orphanet 551, MedGen C0162672, MONDO:0010790, OMIM 545000.
Mitochondrial non-syndromic sensorineural hearing loss. Also called: Nonsyndromic Hearing Loss and Deafness, Mitochondrial. Identifiers: Orphanet 90641, MedGen C3151897, MONDO:0010779, OMIM 500008.
Mitochondrial cytochrome c oxidase deficiency. Identifiers: MedGen C4016626.
Mitochondrial complex IV deficiency, nuclear type 1 (MC4DN1). Also called: COX DEFICIENCY; Mitochondrial complex IV deficiency; Complex 4 mitochondrial respiratory chain deficiency; Deficiency of mitochondrial respiratory chain complex4; Complex IV deficiency. Identifiers: MedGen C5435656, MONDO:0700250, OMIM 220110. Disease mechanism: loss of function.

Submissions 1 to 8 of 15:

ClinGen Mitochondrial Disease Nuclear and Mitochondrial  Variant Curation Expert Panel, ClinGen
Classification: Pathogenic for Mitochondrial disease. Last evaluated: 2022-11-14. Review status: reviewed by expert panel. Criteria: McCormick et al. (Hum Mutat. 2020). Collection method: curation. Allele origin: germline. Inheritance: Mitochondrial inheritance.
Comment: The m.7471dup variant in MT-TS1 has been reported in >16 unrelated individuals with primary mitochondrial disease across several haplogroups. This variant is most commonly associated with sensorineural hearing loss however affected individuals can also have other features. Affected individuals have been reported with features including MELAS, cerebellar ataxia, myoclonus, epilepsy, white matter disease, intellectual disability, cerebellar atrophy, exercise intolerance, and hypotonia; and this variant has been seen in affected individuals in the homoplasmic and heteroplasmic states (PS4; PMIDs: 7581383, 9708714, 9832034, 9778262, 9778273, 10094190, 15482956, 11378827, 15292920, 15482956, 11378827, 15292920, 1533431, 16368237, 17637808, 15833431, 16368237). This variant segregated with disease in multiple affected members in multiple families and several healthy family members had lower to undetectable levels of the variant (PP1_moderate, PMIDs: 7581383, 9708714). Cybrid studies supported the functional impact of this variant (PS3_supporting; PMID: 10545608). There are no de novo occurrences to our knowledge. There are no in silico predictors for this type of variant in mitochondrial DNA. In summary, this variant meets criteria to be classified as likely pathogenic however this Expert Panel elected to modify the classification to pathogenic given the overwhelming evidence of pathogenicity. Furthermore, the mitochondrial DNA variant specifications are known to not be optimized for pathogenic variants that tend to be homoplasmic in nature, have reduced penetrance, and/or variants that are insertions. This classification was approved by the NICHD/NINDS U24 ClinGen Mitochondrial Disease Variant Curation Expert Panel on November 14, 2022. Mitochondrial DNA-specific ACMG/AMP criteria applied(PMID: 32906214): PS4, PP1_moderate, PS3_supporting.

Variantyx, Inc.
Classification: Pathogenic for Primary mitochondrial disorders. Last evaluated: 2026-01-12. Review status: criteria provided, single submitter. Criteria: Variantyx Assertion Criteria 2022. Collection method: clinical testing. Allele origin: germline. Not counted in ClinVar's aggregate classification.
Comment: The m.7471dup variant in the MT-TS1 gene, which encodes the mitochondrial transfer RNA for serine, is located within the variable loop of the mitochondrial transfer RNA (tRNA) for serine (UCN). It is recommended to test several tissues in the mother by NGS to fully assess for the presence and level of this mtDNA variant. This variant has been reported in individuals affected with variable phenotypes, including non-syndromic hearing loss, hearing loss, ataxia and myoclonus, hearing loss with neurological abnormalities such as seizures, mitochondrial encephalopathy, and myopathy (PMID: 9832034, 7581383, 9778262, 9778273, 18977334) (PS4). This variant has also been found to segregate with disease in multiple families where several unaffected family members had lower heteroplasmy to undetectable levels of the variant (PMID: 7581383, 9708714) (PP1). Functional studies have shown that this variant results in cytochrome c oxidase (COX) deficiency and defective mitochondrial respiration (PMID: 15833431, 15482956, 18977334, 10545608) (PS3). Other reputable laboratories have reported this variant as pathogenic or likely pathogenic, and this classification has been validated by an expert panel in ClinVar (PP5). This variant has a 0.0089% homoplasmic allele frequency in control populations. Based on the current evidence, this variant is classified as pathogenic. In general, the clinical presentation associated with pathogenic mitochondrial variants depends on tissue distribution and the percentage of heteroplasmy. Heteroplasmy levels may be elevated significantly in different tissue types, such as the central nervous system, striated muscle, kidneys, eyes, liver, and endocrine system (PMID: 33814365, 24846800).

3billion
Classification: Pathogenic for MELAS syndrome. Last evaluated: 2025-12-24. Review status: criteria provided, single submitter. Criteria: ACMG Guidelines, 2015. Collection method: clinical testing. Allele origin: germline. Affected: yes. Not counted in ClinVar's aggregate classification.
Comment: The variant is not observed in the gnomAD v4.1.0 dataset. Predicted Consequence/Location: The variant is located in a mutational hot spot and/or well-established functional domain in which established pathogenic variants have been reported (PMID: 31871067, 32183904). In silico tool predictions suggest damaging effect of the variant on gene or gene product [REVEL: 0.83 (>=0.6, sensitivity 0.68 and specificity 0.92); 3Cnet: 1.00 (> 0.75, sensitivity 0.96 and precision 0.92)]. The different nucleotide change resulting in the same amino acid change has been previously reported as pathogenic/likely pathogenic with strong evidence (ClinVar ID: VCV000801778 /PMID: 39039281). Different missense changes at the same codon (p.Val887Ala) have been reported to be associated with SCN2A-related disorder (PMID: 28379373). Therefore, this variant is classified as Pathogenic according to the recommendation of ACMG/AMP guideline.

Institute of Human Genetics, University of Leipzig Medical Center
Classification: Pathogenic for MERRF syndrome. Last evaluated: 2025-06-30. Review status: criteria provided, single submitter. Criteria: ACMG Guidelines, 2015. Collection method: clinical testing. Allele origin: de novo. Inheritance: Mitochondrial inheritance. Affected: yes. Not counted in ClinVar's aggregate classification.
Comment: Criteria applied: PS4, PP1_MOD, PS3_SUP

Clinical Genetics Laboratory, Skane University Hospital Lund
Classification: Pathogenic. Last evaluated: 2023-12-18. Review status: criteria provided, single submitter. Criteria: ACMG Guidelines, 2015. Collection method: clinical testing. Allele origin: germline. Affected: yes. Not counted in ClinVar's aggregate classification.

Illumina Laboratory Services, Illumina
Classification: Pathogenic for Mitochondrial disease. Last evaluated: 2023-01-20. Review status: criteria provided, single submitter. Criteria: ICSLVariantClassificationCriteria RUGD 01 April 2020. Collection method: clinical testing. Allele origin: unknown. Not counted in ClinVar's aggregate classification.
Comment: The MT-TS1 m.7465dup (n.49dup) variant, also referred to as m.7471dup and m.7472insC in the literature, results in the insertion of a nucleotide at position m.7465. Across a selection of available literature, this variant has been reported in at least 22 unrelated individuals with primary mitochondrial disease across several haplogroups (PMID: 7581383; 9708714; 9778262; 9778273; 9832034; 10094190; 11378827; 15292920; 15482956; 15833431; 16368237; 17637808). This variant has been associated with isolated sensorineural hearing loss; however, affected individuals can also have other features including MELAS, cerebellar ataxia, myoclonus, epilepsy, white matter disease, intellectual disability, cerebral and cerebellar atrophy, exercise intolerance, and hypotonia. This variant has been seen in affected individuals in homoplasmic and heteroplasmic states. This variant segregated with disease in multiple affected members in multiple families and several healthy family members had lower to undetectable levels of the variant (PMIDs: 9708714; 10094190; 15833431; 16368237). The variant is reported in the Genome Aggregation Database (version 3.1.2) at a homoplasmic frequency of 0.000089 and a heteroplasmic frequency of 0.000462, which may be consistent with reduced penetrance and tissue-specific heteroplasmy of the variant. Cybrid studies supported the functional impact of this variant (PMID: 10545608). Based on the available evidence, the m.7465dup (n.49dup) variant is classified as pathogenic for primary mitochondrial disease.

Mendelics
Classification: Pathogenic for Mitochondrial complex IV deficiency, nuclear type 1. Last evaluated: 2022-05-04. Review status: criteria provided, single submitter. Criteria: Mendelics Assertion Criteria 2019. Collection method: clinical testing. Allele origin: germline. Not counted in ClinVar's aggregate classification.

Institute of Medical Genetics and Applied Genomics, University Hospital Tübingen
Classification: Pathogenic. Last evaluated: 2021-06-17. Review status: criteria provided, single submitter. Criteria: ACMG Guidelines, 2015. Collection method: clinical testing. Allele origin: germline. Inheritance: Mitochondrial inheritance. Affected: yes. Not counted in ClinVar's aggregate classification.